The following is an entry in ClinVar:

NM_001372106.1(DNAH10):c.682T>C (p.Ser228Pro)

Gene: DNAH10 (dynein axonemal heavy chain 10; plus strand). Cytogenetic location: 12q24.31.
Variant type: single nucleotide variant.
Coding change: c.682T>C on transcript NM_001372106.1 (MANE Select); coding-DNA position 682, T replaced by C.
Protein change: p.Ser228Pro; replaces serine 228 with proline.
Molecular consequence: missense variant.
Genome position (GRCh38, 1-based): chr12:123,781,140, T>C. VCF-style: chr12-123781140-T-C. GRCh37 (hg19) VCF-style: chr12-124265687-T-C.
Other names: c.499T>C, p.Ser167Pro (NM_207437.3); short protein forms S167P, S228P.
Identifiers: ClinVar variation 402611 (VCV000402611.7), dbSNP rs11057353, ClinGen allele CA6862534.

ClinVar aggregate classification (germline): Benign. Review status: criteria provided, multiple submitters, no conflicts (2 of 4 stars). 3 submissions from 3 submitters: Benign (3). Last evaluated 2019-04-19.

Allele frequency attached by ClinVar (database versions not stated): ESP Exome Variant Server 0.60634; gnomAD 0.62641 and 0.63378; gnomAD exomes 0.63047 and 0.66662; TOPMed 0.63079; ExAC 0.66321; 1000 Genomes Project 30x 0.70394; 1000 Genomes Project 0.71326.
gnomAD v4.1: 1,018,650 of 1,613,600 alleles (63%); highest among the groups gnomAD compares: East Asian, 95%; 325,110 homozygotes.

Submissions (3):

GeneDx
Classification: Benign. Last evaluated: 2019-04-19. Review status: criteria provided, single submitter. Criteria: GeneDx Variant Classification Process June 2021. Collection method: clinical testing. Allele origin: germline. Affected: yes.
Comment: This variant is associated with the following publications: (PMID: 30389748, 31178129)

Laboratory for Molecular Medicine, Mass General Brigham Personalized Medicine
Classification: Benign. Last evaluated: 2016-03-29. Review status: criteria provided, single submitter. Criteria: LMM Criteria. Collection method: clinical testing. Allele origin: germline.
Comment: Variant identified in a genome or exome case(s) and assessed due to predicted null impact of the variant or pathogenic assertions in the literature or databases. Disclaimer: This variant has not undergone full assessment. The following are preliminary notes: Frequency

Breakthrough Genomics
Classification: Benign. Review status: criteria provided, single submitter. Criteria: ACMG Guidelines, 2015. Collection method: not provided. Allele origin: germline. Inheritance: Autosomal recessive inheritance. Affected: yes.